The following is an entry in ClinVar:

NM_004525.3(LRP2):c.2024T>C (p.Val675Ala)

Gene: LRP2 (LDL receptor related protein 2; minus strand). Cytogenetic location: 2q31.1.
Variant type: single nucleotide variant.
Coding change: c.2024T>C on transcript NM_004525.3 (MANE Select); coding-DNA position 2024, T replaced by C.
Protein change: p.Val675Ala; replaces valine 675 with alanine.
Molecular consequence: missense variant.
Genome position (GRCh38, 1-based): chr2:169,273,019, A>G on the plus strand (T>C on the coding strand, the complement: LRP2 is on the minus strand). VCF-style: chr2-169273019-A-G. GRCh37 (hg19) VCF-style: chr2-170129529-A-G.
Other names: p.Val675Ala; short protein forms V675A.
Identifiers: ClinVar variation 715562 (VCV000715562.19), dbSNP rs116332504, ClinGen allele CA1955405.

ClinVar aggregate classification (germline): Benign/Likely benign. Review status: criteria provided, multiple submitters, no conflicts (2 of 4 stars). 6 submissions from 6 submitters: Benign (5); Likely benign (1). Last evaluated 2026-01-31.

Conditions:
Donnai-Barrow syndrome. Also called: DBS/FOAR SYNDROME; FACIOOCULOACOUSTICORENAL SYNDROME. Identifiers: Orphanet 2143, MedGen C1857277, MONDO:0009104, OMIM 222448.

Allele frequency attached by ClinVar (database versions not stated): gnomAD exomes 0.00064 and 0.00168; ExAC 0.00210; gnomAD 0.00628 and 0.00668; TOPMed 0.00703; ESP Exome Variant Server 0.00730; 1000 Genomes Project 0.00759; 1000 Genomes Project 30x 0.00796.
gnomAD v4.1: 1,937 of 1,613,652 alleles (0.12%); highest among the groups gnomAD compares: African/African-American, 2.2%; 24 homozygotes.

Submissions (6):

Labcorp Genetics (formerly Invitae), Labcorp
Classification: Benign. Last evaluated: 2026-01-31. Review status: criteria provided, single submitter. Criteria: Invitae Variant Classification Sherloc (09022015). Collection method: clinical testing. Allele origin: germline.

Blueprint Genetics
Classification: Likely benign. Last evaluated: 2024-11-05. Review status: criteria provided, single submitter. Criteria: ACMG Guidelines, 2015. Collection method: clinical testing. Allele origin: germline.

Mayo Clinic Laboratories, Mayo Clinic
Classification: Benign. Last evaluated: 2024-09-17. Review status: criteria provided, single submitter. Criteria: ACMG Guidelines, 2015. Collection method: clinical testing. Allele origin: germline. Observed: 1 variant allele.
Comment: BS1, BS2

Genome-Nilou Lab
Classification: Benign for Donnai-Barrow syndrome. Last evaluated: 2021-07-15. Review status: criteria provided, single submitter. Criteria: ACMG Guidelines, 2015. Collection method: clinical testing. Allele origin: germline. Affected: no.

Illumina Laboratory Services, Illumina
Classification: Benign for Donnai-Barrow syndrome. Last evaluated: 2018-01-13. Review status: criteria provided, single submitter. Criteria: ICSL Variant Classification Criteria 13 December 2019. Collection method: clinical testing. Allele origin: germline.
Comment: This variant was observed in the ICSL laboratory as part of a predisposition screen in an ostensibly healthy population. It had not been previously curated by ICSL or reported in the Human Gene Mutation Database (HGMD: prior to June 1st, 2018), and was therefore a candidate for classification through an automated scoring system. Utilizing variant allele frequency, disease prevalence and penetrance estimates, and inheritance mode, an automated score was calculated to assess if this variant is too frequent to cause the disease. Based on the score and internal cut-off values, a variant classified as benign is not then subjected to further curation. The score for this variant resulted in a classification of benign for this disease.

Breakthrough Genomics
Classification: Benign. Review status: criteria provided, single submitter. Criteria: ACMG Guidelines, 2015. Collection method: not provided. Allele origin: germline. Inheritance: Autosomal recessive inheritance. Affected: yes.